The following is an entry in ClinVar:

NM_001430.5(EPAS1):c.1516G>A (p.Ala506Thr)

Gene: EPAS1 (endothelial PAS domain protein 1; plus strand). Cytogenetic location: 2p21.
Variant type: single nucleotide variant.
Coding change: c.1516G>A on transcript NM_001430.5 (MANE Select); coding-DNA position 1516, G replaced by A.
Protein change: p.Ala506Thr; replaces alanine 506 with threonine.
Molecular consequence: missense variant.
Genome position (GRCh38, 1-based): chr2:46,378,729, G>A. VCF-style: chr2-46378729-G-A. GRCh37 (hg19) VCF-style: chr2-46605868-G-A.
Other names: short protein forms A506T.
Identifiers: ClinVar variation 2456318 (VCV002456318.4), dbSNP rs745977062, ClinGen allele CA1645018.

ClinVar aggregate classification (germline): Conflicting classifications of pathogenicity. Review status: criteria provided, conflicting classifications (1 of 4 stars). 2 submissions from 2 submitters: Uncertain significance (1); Likely benign (1). Last evaluated 2024-04-16.

Conditions:
Inborn genetic diseases. Identifiers: MedGen C0950123, MeSH D030342.

Allele frequency attached by ClinVar (database versions not stated): gnomAD 0.00001; ExAC 0.00002.
gnomAD v4.1: 34 of 1,614,016 alleles (0.0021%); highest among the groups gnomAD compares: South Asian, 0.019%; no homozygotes.

Submissions (2):

Labcorp Genetics (formerly Invitae), Labcorp
Classification: Uncertain significance. Last evaluated: 2024-04-16. Review status: criteria provided, single submitter. Criteria: Invitae Variant Classification Sherloc (09022015). Collection method: clinical testing. Allele origin: germline.
Comment: This sequence change replaces alanine, which is neutral and non-polar, with threonine, which is neutral and polar, at codon 506 of the EPAS1 protein (p.Ala506Thr). This variant is present in population databases (rs745977062, gnomAD 0.02%). This variant has not been reported in the literature in individuals affected with EPAS1-related conditions. ClinVar contains an entry for this variant (Variation ID: 2456318). Algorithms developed to predict the effect of missense changes on protein structure and function output the following: SIFT: "Not Available"; PolyPhen-2: "Benign"; Align-GVGD: "Not Available". The threonine amino acid residue is found in multiple mammalian species, which suggests that this missense change does not adversely affect protein function. In summary, the available evidence is currently insufficient to determine the role of this variant in disease. Therefore, it has been classified as a Variant of Uncertain Significance.

Ambry Genetics
Classification: Likely benign for Inborn genetic diseases. Last evaluated: 2022-11-12. Review status: criteria provided, single submitter. Criteria: Ambry Variant Classification Scheme 2023. Collection method: clinical testing. Allele origin: germline.